The following is an entry in ClinVar:

NM_176824.3(BBS7):c.1890+9_1890+10del

Gene: BBS7 (Bardet-Biedl syndrome 7; minus strand). Cytogenetic location: 4q27.
Variant type: Deletion.
Coding change: c.1890+9_1890+10del on transcript NM_176824.3 (MANE Select); bases 9 to 10 of the intron after coding-DNA position 1890, 2 bases deleted (AT; older notation c.1890+9_1890+10delAT).
Molecular consequence: intron variant.
Genome position (GRCh38, 1-based): chr4:121,828,392-121,828,393, AT deleted on the plus strand (AT on the coding strand, the reverse complement: BBS7 is on the minus strand). VCF-style (leftmost placement, unchanged base first): chr4-121828391-CAT-C. GRCh37 (hg19) VCF-style: chr4-122749546-CAT-C.
Other names: c.1890+9_1890+10del (NM_018190.4); c.1890+9_1890+10delAT (NM_176824.2).
Identifiers: ClinVar variation 1114728 (VCV001114728.10), dbSNP rs772355304, ClinGen allele CA3064116.

ClinVar aggregate classification (germline): Likely benign. Review status: criteria provided, multiple submitters, no conflicts (2 of 4 stars). 3 submissions from 3 submitters: Likely benign (2). 1 of the submissions does not count toward it. Last evaluated 2026-01-28.

Conditions:
BBS7-related disorder. Also called: BBS7-related condition.
Bardet-Biedl syndrome (BBS). Identifiers: Orphanet 110, MedGen C0752166, MONDO:0015229.

Allele frequency attached by ClinVar (database versions not stated): gnomAD exomes 0.00003 and 0.00010; ExAC 0.00006; gnomAD 0.00038 and 0.00041; TOPMed 0.00046.

Submissions (3):

Labcorp Genetics (formerly Invitae), Labcorp
Classification: Likely benign for Bardet-Biedl syndrome. Last evaluated: 2026-01-28. Review status: criteria provided, single submitter. Criteria: Invitae Variant Classification Sherloc (09022015). Collection method: clinical testing. Allele origin: germline.

Blueprint Genetics
Classification: Likely benign. Last evaluated: 2023-03-08. Review status: criteria provided, single submitter. Criteria: ACMG Guidelines, 2015. Collection method: clinical testing. Allele origin: germline.

PreventionGenetics, part of Exact Sciences
Classification: Likely benign for BBS7-related condition. Last evaluated: 2020-10-13. Review status: no assertion criteria provided. Collection method: clinical testing. Allele origin: germline. Not counted in ClinVar's aggregate classification.
Comment: This variant is classified as likely benign based on ACMG/AMP sequence variant interpretation guidelines (Richards et al. 2015 PMID: 25741868, with internal and published modifications).